The following is an entry in ClinVar:

NM_144631.6(ZNF513):c.1444G>A (p.Gly482Ser)

Genes: ZNF513 (zinc finger protein 513; minus strand), LOC129933376 (ATAC-STARR-seq lymphoblastoid active region 15506; plus strand). Cytogenetic location: 2p23.3.
Variant type: single nucleotide variant.
Coding change: c.1444G>A on transcript NM_144631.6 (MANE Select); coding-DNA position 1444, G replaced by A.
Protein change: p.Gly482Ser; replaces glycine 482 with serine.
Molecular consequence: missense variant.
Genome position (GRCh38, 1-based): chr2:27,377,727, C>T on the plus strand (G>A on the coding strand, the complement: ZNF513 is on the minus strand). VCF-style: chr2-27377727-C-T. GRCh37 (hg19) VCF-style: chr2-27600594-C-T.
Other names: c.1258G>A, p.Gly420Ser (NM_001201459.2); short protein forms G420S, G482S.
Identifiers: ClinVar variation 1966173 (VCV001966173.5), dbSNP rs1160742296, ClinGen allele CA346214423.

ClinVar aggregate classification (germline): Uncertain significance (1 of 4 stars; one submission).

Submission:

Labcorp Genetics (formerly Invitae), Labcorp
Classification: Uncertain significance. Last evaluated: 2024-05-07. Review status: criteria provided, single submitter. Criteria: Invitae Variant Classification Sherloc (09022015). Collection method: clinical testing. Allele origin: germline.
Comment: This sequence change replaces glycine, which is neutral and non-polar, with serine, which is neutral and polar, at codon 482 of the ZNF513 protein (p.Gly482Ser). This variant is not present in population databases (gnomAD no frequency). This variant has not been reported in the literature in individuals affected with ZNF513-related conditions. ClinVar contains an entry for this variant (Variation ID: 1966173). An algorithm developed to predict the effect of missense changes on protein structure and function (PolyPhen-2) suggests that this variant is likely to be disruptive. In summary, the available evidence is currently insufficient to determine the role of this variant in disease. Therefore, it has been classified as a Variant of Uncertain Significance.